The following is an entry in ClinVar:

ClinVar aggregate classification (germline): Pathogenic/Likely pathogenic. Review status: no assertion criteria provided (0 of 4 stars). 2 submissions from 2 submitters: Pathogenic (1); Likely pathogenic (1). Last evaluated 2006-02-01.

Conditions:
Meckel syndrome, type 3 (MKS3). Also called: MECKEL-GRUBER SYNDROME, TYPE 3. Identifiers: Orphanet 564, MedGen C1846357, MONDO:0011821, OMIM 607361.

Allele frequency attached by ClinVar (database versions not stated): gnomAD exomes below 0.00001.
gnomAD v4.1: 3 of 1,609,384 alleles (0.00019%); highest among the groups gnomAD compares: Non-Finnish European, 0.00025%; no homozygotes.

Submissions (2):

OMIM
Classification: Pathogenic for MECKEL SYNDROME, TYPE 3. Last evaluated: 2006-02-01. Review status: no assertion criteria provided. Collection method: literature only. Allele origin: germline.

Juha Muilu Group; Institute for Molecular Medicine Finland (FIMM)
Classification: Likely pathogenic for Meckel syndrome type 3. Review status: no assertion criteria provided. Collection method: not provided. Allele origin: unknown.
Comment: FinDis database variant: This variant was not found or characterized by our laboratory, data were collected from public sources: see reference
ClinVar note: Converted during submission from probable-pathogenic to Likely pathogenic.

Literature cited by the submitters: PubMed 16415887 (cited by OMIM).

NM_153704.6(TMEM67):c.870-2A>G

Gene: TMEM67 (transmembrane protein 67; plus strand). Cytogenetic location: 8q22.1.
Variant type: single nucleotide variant.
Coding change: c.870-2A>G on transcript NM_153704.6 (MANE Select); the canonical splice acceptor site of the intron before coding-DNA position 870, A replaced by G.
Molecular consequence: splice acceptor variant.
Genome position (GRCh38, 1-based): chr8:93,780,872, A>G. VCF-style: chr8-93780872-A-G. GRCh37 (hg19) VCF-style: chr8-94793100-A-G.
Other names: IVS8, A-G, -2; c.627-2A>G (NM_001142301.1).
Identifiers: ClinVar variation 1367 (VCV000001367.2), dbSNP rs386834207, ClinGen allele CA212766.
Genomic context (GRCh38, chr8:93,780,872, plus strand): 5'-ACAAATACTAATAATAAGAAATATTTATTCTCCATTATTAAAACAGTTGTAACTGTTTAT[A>G]GGAGACAGAATCTTCCTTGGCTGTTTTATGGAGACCAGTTAGGATTAGCACCTCAAGTGC-3'